The following is an entry in ClinVar:

NM_024009.3(GJB3):c.-3G>A

Gene: GJB3 (gap junction protein beta 3; plus strand). Cytogenetic location: 1p34.3.
Variant type: single nucleotide variant.
Coding change: c.-3G>A on transcript NM_024009.3 (MANE Select); 3 bases upstream of the start codon, G replaced by A.
Molecular consequence: 5 prime UTR variant.
Genome position (GRCh38, 1-based): chr1:34,784,760, G>A. VCF-style: chr1-34784760-G-A. GRCh37 (hg19) VCF-style: chr1-35250361-G-A.
Other names: c.-3G>A (NM_001005752.2).
Identifiers: ClinVar variation 875775 (VCV000875775.5), dbSNP rs200397530, ClinGen allele CA754717.

ClinVar aggregate classification (germline): Conflicting classifications of pathogenicity. Review status: criteria provided, conflicting classifications (1 of 4 stars). 2 submissions from 2 submitters: Uncertain significance (1); Benign (1). Last evaluated 2022-06-21.

Conditions:
Erythrokeratodermia variabilis et progressiva 1 (EKVP1). Also called: ERYTHROKERATODERMIA FIGURATA, CONGENITAL FAMILIAL, IN PLAQUES; ERYTHROKERATODERMIA VARIABILIS WITH ERYTHEMA GYRATUM REPENS; ERYTHROKERATODERMIA, PROGRESSIVE SYMMETRIC. Identifiers: Orphanet 317, MedGen C4551486, MONDO:0033010, OMIM 133200.

Allele frequency attached by ClinVar (database versions not stated): ESP Exome Variant Server 0.00008; 1000 Genomes Project 0.00020; 1000 Genomes Project 30x 0.00031; TOPMed below 0.00001; gnomAD 0.00001; gnomAD exomes 0.00001 and 0.00002; ExAC 0.00004.

Submissions (2):

GeneDx
Classification: Uncertain significance. Last evaluated: 2022-06-21. Review status: criteria provided, single submitter. Criteria: GeneDx Variant Classification Process June 2021. Collection method: clinical testing. Allele origin: germline. Affected: yes.
Comment: Nucleotide substitution has no predicted effect on splicing and is not conserved across species; Has not been previously published as pathogenic or benign to our knowledge

Illumina Laboratory Services, Illumina
Classification: Benign for Erythrokeratodermia variabilis et progressiva 1. Last evaluated: 2018-01-13. Review status: criteria provided, single submitter. Criteria: ICSL Variant Classification Criteria 13 December 2019. Collection method: clinical testing. Allele origin: germline.
Comment: This variant was observed in the ICSL laboratory as part of a predisposition screen in an ostensibly healthy population. It had not been previously curated by ICSL or reported in the Human Gene Mutation Database (HGMD: prior to June 1st, 2018), and was therefore a candidate for classification through an automated scoring system. Utilizing variant allele frequency, disease prevalence and penetrance estimates, and inheritance mode, an automated score was calculated to assess if this variant is too frequent to cause the disease. Based on the score and internal cut-off values, a variant classified as benign is not then subjected to further curation. The score for this variant resulted in a classification of benign for this disease.